The following is an entry in ClinVar:

ClinVar aggregate classification (germline): Uncertain significance (1 of 4 stars; one submission).

Conditions:
TNF receptor-associated periodic fever syndrome (TRAPS) (FPF). Also called: FAMILIAL HIBERNIAN FEVER; TNF RECEPTOR-ASSOCIATED PERIODIC SYNDROME; TUMOR NECROSIS FACTOR RECEPTOR-ASSOCIATED PERIODIC SYNDROME; Autosomal Dominant Familial Periodic Fever; TNF Receptor-Associated Periodic Fever Syndrome; TNF receptor 1-associated periodic fever syndrome. Identifiers: Orphanet 32960, MedGen C1275126, MONDO:0007727, OMIM 142680.

gnomAD v4.1: 7 of 1,613,086 alleles (0.00043%); highest among the groups gnomAD compares: African/African-American, 0.0093%; no homozygotes.

Submission:

Labcorp Genetics (formerly Invitae), Labcorp
Classification: Uncertain significance for TNF receptor-associated periodic fever syndrome (TRAPS). Last evaluated: 2024-10-03. Review status: criteria provided, single submitter. Criteria: Invitae Variant Classification Sherloc (09022015). Collection method: clinical testing. Allele origin: germline.
Comment: This sequence change replaces serine, which is neutral and polar, with phenylalanine, which is neutral and non-polar, at codon 241 of the TNFRSF1A protein (p.Ser241Phe). This variant is present in population databases (no rsID available, gnomAD 0.01%). This variant has not been reported in the literature in individuals affected with TNFRSF1A-related conditions. Invitae Evidence Modeling of protein sequence and biophysical properties (such as structural, functional, and spatial information, amino acid conservation, physicochemical variation, residue mobility, and thermodynamic stability) indicates that this missense variant is expected to disrupt TNFRSF1A protein function with a positive predictive value of 95%. In summary, the available evidence is currently insufficient to determine the role of this variant in disease. Therefore, it has been classified as a Variant of Uncertain Significance.

NM_001065.4(TNFRSF1A):c.722C>T (p.Ser241Phe)

Gene: TNFRSF1A (TNF receptor superfamily member 1A; minus strand). Cytogenetic location: 12p13.31.
Variant type: single nucleotide variant.
Coding change: c.722C>T on transcript NM_001065.4 (MANE Select); coding-DNA position 722, C replaced by T.
Protein change: p.Ser241Phe; replaces serine 241 with phenylalanine.
Molecular consequence: missense variant. On other transcripts: non-coding transcript variant (1).
Genome position (GRCh38, 1-based): chr12:6,330,615, G>A on the plus strand (C>T on the coding strand, the complement: TNFRSF1A is on the minus strand). VCF-style: chr12-6330615-G-A. GRCh37 (hg19) VCF-style: chr12-6439781-G-A.
Other names: c.398C>T, p.Ser133Phe (NM_001346091.2); c.263C>T, p.Ser88Phe (NM_001346092.2); short protein forms S241F, S88F, S133F.
Identifiers: ClinVar variation 3712465 (VCV003712465.2).
Genomic context (GRCh38, chr12:6,330,615, plus strand): 5'-TCACCCCCACCAGCTCCCTCTCCCTCCCAAAGCCCCCACTCACCAATGGAGTAGAGCTTG[G>A]ACTTCCACCGTTGGTAGCGATACATTAAACCAATGAAGAGGAGGGATAAAAGGCAAAGAC-3'
Protein context (NP_001056.1, residues 231-251): GLMYRYQRWK[Ser241Phe]KLYSIVCGKS